The following is an entry in ClinVar:

ClinVar aggregate classification (germline): Uncertain significance (1 of 4 stars; one submission).

Conditions:
Cardiomyopathy (CMYO). Also called: Cardiomyopathies. Identifiers: Orphanet 167848, MedGen C0878544, MONDO:0004994, HP:0001638. Inheritance: Various modes of inheritance.

gnomAD v4.1: 19 of 1,613,436 alleles (0.0012%); highest among the groups gnomAD compares: Non-Finnish European, 0.0016%; no homozygotes.

Submission:

Color Diagnostics, LLC DBA Color Health
Classification: Uncertain significance for Cardiomyopathy. Last evaluated: 2025-06-23. Review status: criteria provided, single submitter. Criteria: ACMG Guidelines, 2015. Collection method: clinical testing. Allele origin: germline.
Comment: This missense variant replaces aspartic acid with tyrosine at codon 2051 of the RYR2 protein. Computational prediction suggests that this variant may not impact protein structure and function. To our knowledge, functional studies have not been reported for this variant. This variant has not been reported in individuals affected with RYR2-related disorders in the literature. This variant has not been identified in the general population by the Genome Aggregation Database (gnomAD). The available evidence is insufficient to determine the role of this variant in disease conclusively. Therefore, this variant is classified as a Variant of Uncertain Significance.

NM_001035.3(RYR2):c.6151G>T (p.Asp2051Tyr)

Gene: RYR2 (ryanodine receptor 2; plus strand). Cytogenetic location: 1q43.
Variant type: single nucleotide variant.
Coding change: c.6151G>T on transcript NM_001035.3 (MANE Select); coding-DNA position 6151, G replaced by T.
Protein change: p.Asp2051Tyr; replaces aspartic acid 2051 with tyrosine.
Molecular consequence: missense variant.
Genome position (GRCh38, 1-based): chr1:237,625,789, G>T. VCF-style: chr1-237625789-G-T. GRCh37 (hg19) VCF-style: chr1-237789089-G-T.
Other names: short protein forms D2051Y.
Identifiers: ClinVar variation 4757206 (VCV004757206.1).